The following is an entry in ClinVar:

ClinVar aggregate classification (germline): Uncertain significance (1 of 4 stars; one submission).

Allele frequency attached by ClinVar (database versions not stated): gnomAD exomes below 0.00001.
gnomAD v4.1: 1 of 1,611,622 alleles (0.000062%); highest among the groups gnomAD compares: East Asian, 0.0022%; no homozygotes.

Submission:

CeGaT Center for Human Genetics Tuebingen
Classification: Uncertain significance. Last evaluated: 2023-07-01. Review status: criteria provided, single submitter. Criteria: CeGaT Center For Human Genetics Tuebingen Variant Classification Criteria Version 2. Collection method: clinical testing. Allele origin: germline. Affected: yes. Observed: 1 variant allele.
Comment: CHD6: PM2:Supporting, BP4

NM_032221.5(CHD6):c.1077G>A (p.Lys359=)

Gene: CHD6 (chromodomain helicase DNA binding protein 6; minus strand). Cytogenetic location: 20q12.
Variant type: single nucleotide variant.
Coding change: c.1077G>A on transcript NM_032221.5 (MANE Select); coding-DNA position 1077, G replaced by A.
Protein change: p.Lys359=; no amino-acid change (lysine 359 retained).
Molecular consequence: synonymous variant.
Genome position (GRCh38, 1-based): chr20:41,497,399, C>T on the plus strand (G>A on the coding strand, the complement: CHD6 is on the minus strand). VCF-style: chr20-41497399-C-T. GRCh37 (hg19) VCF-style: chr20-40126039-C-T.
Identifiers: ClinVar variation 2652336 (VCV002652336.24), dbSNP rs950858253, ClinGen allele CA314540346.